The following is an entry in ClinVar:

NM_004963.4(GUCY2C):c.547A>C (p.Lys183Gln)

Genes: GUCY2C (guanylate cyclase 2C; minus strand), GUCY2C-AS1 (GUCY2C antisense RNA 1; plus strand). Cytogenetic location: 12p12.3.
Variant type: single nucleotide variant.
Coding change: c.547A>C on transcript NM_004963.4 (MANE Select); coding-DNA position 547, A replaced by C.
Protein change: p.Lys183Gln; replaces lysine 183 with glutamine.
Molecular consequence: missense variant.
Genome position (GRCh38, 1-based): chr12:14,683,106, T>G on the plus strand (A>C on the coding strand, the complement: GUCY2C is on the minus strand). VCF-style: chr12-14683106-T-G. GRCh37 (hg19) VCF-style: chr12-14836040-T-G.
Other names: short protein forms K183Q.
Identifiers: ClinVar variation 2053929 (VCV002053929.4), dbSNP rs374822546, ClinGen allele CA6463726.

ClinVar aggregate classification (germline): Uncertain significance (1 of 4 stars; one submission).

Allele frequency attached by ClinVar (database versions not stated): ExAC 0.00002; TOPMed 0.00003; gnomAD 0.00004; gnomAD exomes 0.00006; ESP Exome Variant Server 0.00008.
gnomAD v4.1: 86 of 1,613,722 alleles (0.0053%); highest among the groups gnomAD compares: Non-Finnish European, 0.007%; no homozygotes.

Submission:

Labcorp Genetics (formerly Invitae), Labcorp
Classification: Uncertain significance. Last evaluated: 2026-01-21. Review status: criteria provided, single submitter. Criteria: Invitae Variant Classification Sherloc (09022015). Collection method: clinical testing. Allele origin: germline.
Comment: This sequence change replaces lysine, which is basic and polar, with glutamine, which is neutral and polar, at codon 183 of the GUCY2C protein (p.Lys183Gln). This variant is present in population databases (rs374822546, gnomAD 0.006%). This variant has not been reported in the literature in individuals affected with GUCY2C-related conditions. ClinVar contains an entry for this variant (Variation ID: 2053929). An algorithm developed to predict the effect of missense changes on protein structure and function (PolyPhen-2) suggests that this variant is likely to be disruptive. In summary, the available evidence is currently insufficient to determine the role of this variant in disease. Therefore, it has been classified as a Variant of Uncertain Significance.